The following is an entry in ClinVar:

NM_001378454.1(ALMS1):c.6790A>G (p.Thr2264Ala)

Gene: ALMS1 (ALMS1 centrosome and basal body associated protein; plus strand). Cytogenetic location: 2p13.1.
Variant type: single nucleotide variant.
Coding change: c.6790A>G on transcript NM_001378454.1 (MANE Select); coding-DNA position 6790, A replaced by G.
Protein change: p.Thr2264Ala; replaces threonine 2264 with alanine.
Molecular consequence: missense variant.
Genome position (GRCh38, 1-based): chr2:73,453,317, A>G. VCF-style: chr2-73453317-A-G. GRCh37 (hg19) VCF-style: chr2-73680444-A-G.
Other names: c.6793A>G, p.Thr2265Ala (NM_015120.4); short protein forms T2264A, T2265A.
Identifiers: ClinVar variation 1000016 (VCV001000016.15), dbSNP rs772620985, ClinGen allele CA1714122.

ClinVar aggregate classification (germline): Uncertain significance. Review status: criteria provided, multiple submitters, no conflicts (2 of 4 stars). 5 submissions from 5 submitters: Uncertain significance (4). 1 of the submissions does not count toward it. Last evaluated 2026-09-04.

Conditions:
Cardiovascular phenotype. Identifiers: MedGen CN230736.
Alstrom syndrome (ALMS). Identifiers: Orphanet 64, MedGen C0268425, MONDO:0008763, OMIM 203800.

Allele frequency attached by ClinVar (database versions not stated): ExAC 0.00001; gnomAD 0.00001; gnomAD exomes 0.00001; TOPMed 0.00002.
gnomAD v4.1: 8 of 1,613,786 alleles (0.0005%); highest among the groups gnomAD compares: Admixed American, 0.012%; no homozygotes.

Submissions (5):

GeneDx
Classification: Uncertain significance. Last evaluated: 2026-09-04. Review status: criteria provided, single submitter. Criteria: GeneDx Variant Classification Process June 2021. Collection method: clinical testing. Allele origin: germline.
Comment: Not observed at significant frequency in large population cohorts (gnomAD); In silico analysis supports that this missense variant has a deleterious effect on protein structure/function; Has not been previously published as pathogenic or benign to our knowledge

Blueprint Genetics
Classification: Uncertain significance. Last evaluated: 2024-09-11. Review status: criteria provided, single submitter. Criteria: ACMG Guidelines, 2015. Collection method: clinical testing. Allele origin: germline.

Ambry Genetics
Classification: Uncertain significance for Cardiovascular phenotype. Last evaluated: 2023-12-20. Review status: criteria provided, single submitter. Criteria: Ambry Variant Classification Scheme 2023. Collection method: clinical testing. Allele origin: germline.
Comment: The p.T2265A variant (also known as c.6793A>G), located in coding exon 8 of the ALMS1 gene, results from an A to G substitution at nucleotide position 6793. The threonine at codon 2265 is replaced by alanine, an amino acid with similar properties. This amino acid position is well conserved in available vertebrate species. In addition, the in silico prediction for this alteration is inconclusive. Since supporting evidence is limited at this time, the clinical significance of this alteration remains unclear.

Labcorp Genetics (formerly Invitae), Labcorp
Classification: Uncertain significance for Alstrom syndrome. Last evaluated: 2023-08-10. Review status: criteria provided, single submitter. Criteria: Invitae Variant Classification Sherloc (09022015). Collection method: clinical testing. Allele origin: germline.
Comment: This sequence change replaces threonine, which is neutral and polar, with alanine, which is neutral and non-polar, at codon 2265 of the ALMS1 protein (p.Thr2265Ala). This variant is present in population databases (rs772620985, gnomAD 0.009%). This variant has not been reported in the literature in individuals affected with ALMS1-related conditions. ClinVar contains an entry for this variant (Variation ID: 1000016). Experimental studies and prediction algorithms are not available or were not evaluated, and the functional significance of this variant is currently unknown. In summary, the available evidence is currently insufficient to determine the role of this variant in disease. Therefore, it has been classified as a Variant of Uncertain Significance.

Natera, Inc.
Classification: Uncertain significance for Alstrom syndrome. Last evaluated: 2020-11-04. Review status: no assertion criteria provided. Collection method: clinical testing. Allele origin: germline. Not counted in ClinVar's aggregate classification.